The following is an entry in ClinVar:

ClinVar aggregate classification (germline): Uncertain significance. Review status: criteria provided, multiple submitters, no conflicts (2 of 4 stars). 3 submissions from 3 submitters: Uncertain significance (3). Last evaluated 2024-10-01.

Conditions:
Mitochondrial complex I deficiency, nuclear type 7. Also called: Mitochondrial complex 1 deficiency, nuclear type 7. Identifiers: MedGen C4748760, MONDO:0032612, OMIM 618229.

Allele frequency attached by ClinVar (database versions not stated): gnomAD 0.00004 and 0.00005; gnomAD exomes 0.00005 and 0.00013; TOPMed 0.00005; ExAC 0.00007; ESP Exome Variant Server 0.00015.

Submissions (3):

CeGaT Center for Human Genetics Tuebingen
Classification: Uncertain significance. Last evaluated: 2024-10-01. Review status: criteria provided, single submitter. Criteria: CeGaT Center For Human Genetics Tuebingen Variant Classification Criteria Version 2. Collection method: clinical testing. Allele origin: germline. Affected: yes. Observed: 1 variant allele.
Comment: NDUFV2: PM2

Baylor Genetics
Classification: Uncertain significance for Mitochondrial complex I deficiency, nuclear type 7. Last evaluated: 2022-02-22. Review status: criteria provided, single submitter. Criteria: ACMG Guidelines, 2015. Collection method: clinical testing. Allele origin: unknown.

GeneDx
Classification: Uncertain significance. Last evaluated: 2017-09-08. Review status: criteria provided, single submitter. Criteria: GeneDx Variant Classification (06012015). Collection method: clinical testing. Allele origin: germline. Affected: yes.
Comment: The M185V variant of unknown significance in the NDUFV2 gene has not been published as a mutation, nor has it been reported as a benign polymorphism to our knowledge. The M185V variant is a conservative amino acid substitution, which is not likely to impact secondary protein structure as these residues share similar properties. This substitution occurs at a position that is conserved across species. In silico analysis is inconsistent in its predictions as to whether or not the variant is damaging to the protein structure/function. Therefore, based on the currently available information, it is unclear whether this variant is a pathogenic mutation or a rare benign variant.

NM_021074.5(NDUFV2):c.553A>G (p.Met185Val)

Genes: NDUFV2 (NADH:ubiquinone oxidoreductase core subunit V2; plus strand), NDUFV2-AS1 (NDUFV2 antisense RNA 1; minus strand). Cytogenetic location: 18p11.22.
Variant type: single nucleotide variant.
Coding change: c.553A>G on transcript NM_021074.5 (MANE Select); coding-DNA position 553, A replaced by G.
Protein change: p.Met185Val; replaces methionine 185 with valine.
Molecular consequence: missense variant.
Genome position (GRCh38, 1-based): chr18:9,124,957, A>G. VCF-style: chr18-9124957-A-G. GRCh37 (hg19) VCF-style: chr18-9124955-A-G.
Other names: p.M185V:ATG>GTG; short protein forms M185V.
Identifiers: ClinVar variation 214867 (VCV000214867.17), dbSNP rs377456305, ClinGen allele CA325066.